The following is an entry in ClinVar:

NM_004104.5(FASN):c.5335C>G (p.Pro1779Ala)

Gene: FASN (fatty acid synthase; minus strand). Cytogenetic location: 17q25.3.
Variant type: single nucleotide variant.
Coding change: c.5335C>G on transcript NM_004104.5 (MANE Select); coding-DNA position 5335, C replaced by G.
Protein change: p.Pro1779Ala; replaces proline 1779 with alanine.
Molecular consequence: missense variant.
Genome position (GRCh38, 1-based): chr17:82,083,523, G>C on the plus strand (C>G on the coding strand, the complement: FASN is on the minus strand). VCF-style: chr17-82083523-G-C. GRCh37 (hg19) VCF-style: chr17-80041399-G-C.
Other names: short protein forms P1779A.
Identifiers: ClinVar variation 462067 (VCV000462067.11), dbSNP rs753834341, ClinGen allele CA8851745.

ClinVar aggregate classification (germline): Uncertain significance (1 of 4 stars; one submission).

Conditions:
Epileptic encephalopathy. Identifiers: MedGen C0543888, HP:0200134.

Allele frequency attached by ClinVar (database versions not stated): gnomAD 0.00001; TOPMed 0.00002; ExAC 0.00003; gnomAD exomes 0.00004.

Submission:

Labcorp Genetics (formerly Invitae), Labcorp
Classification: Uncertain significance for Epileptic encephalopathy. Last evaluated: 2024-10-31. Review status: criteria provided, single submitter. Criteria: Invitae Variant Classification Sherloc (09022015). Collection method: clinical testing. Allele origin: germline.
Comment: This sequence change replaces proline, which is neutral and non-polar, with alanine, which is neutral and non-polar, at codon 1779 of the FASN protein (p.Pro1779Ala). This variant is present in population databases (rs753834341, gnomAD 0.03%). This variant has not been reported in the literature in individuals affected with FASN-related conditions. ClinVar contains an entry for this variant (Variation ID: 462067). An algorithm developed to predict the effect of missense changes on protein structure and function outputs the following: PolyPhen-2: "Benign". The alanine amino acid residue is found in multiple mammalian species, which suggests that this missense change does not adversely affect protein function. In summary, the available evidence is currently insufficient to determine the role of this variant in disease. Therefore, it has been classified as a Variant of Uncertain Significance.